The following is an entry in ClinVar:

ClinVar aggregate classification (germline): Conflicting classifications of pathogenicity. Review status: criteria provided, conflicting classifications (1 of 4 stars). 5 submissions from 3 submitters: Uncertain significance (2); Benign (2); Likely benign (1). Last evaluated 2024-04-16.

Conditions:
Familial Mediterranean fever (FMF). Also called: Periodic peritonitis; Benign paroxysmal peritonitis; POLYSEROSITIS, FAMILIAL PAROXYSMAL; POLYSEROSITIS, RECURRENT. Identifiers: Orphanet 342, MedGen C0031069, MONDO:0018088, OMIM 249100. Disease mechanism: gain of function.
Familial Mediterranean fever, autosomal dominant. Also called: Dominant Familial Mediterranean Fever; FMF, AUTOSOMAL DOMINANT. Identifiers: Orphanet 342, MedGen C1851347, MONDO:0007601, OMIM 134610.
Acute febrile neutrophilic dermatosis (AFND). Also called: Sweet Syndrome; Gomm Button disease. Identifiers: Orphanet 3243, MedGen C0085077, MONDO:0011959, OMIM 608068.

Submissions (5):

Fulgent Genetics
Classification: Uncertain significance for Familial Mediterranean fever, autosomal dominant; Familial Mediterranean fever; Acute febrile neutrophilic dermatosis. Last evaluated: 2024-04-16. Review status: criteria provided, single submitter. Criteria: ACMG Guidelines, 2015. Collection method: clinical testing. Allele origin: germline.

Genome-Nilou Lab
Classification: Likely benign for Familial Mediterranean fever. Last evaluated: 2023-02-08. Review status: criteria provided, single submitter. Criteria: ACMG Guidelines, 2015. Collection method: clinical testing. Allele origin: germline.

Genome-Nilou Lab
Classification: Benign for Familial Mediterranean fever, autosomal dominant. Last evaluated: 2023-02-08. Review status: criteria provided, single submitter. Criteria: ACMG Guidelines, 2015. Collection method: clinical testing. Allele origin: germline.

Genome-Nilou Lab
Classification: Benign for Acute febrile neutrophilic dermatosis. Last evaluated: 2023-02-08. Review status: criteria provided, single submitter. Criteria: ACMG Guidelines, 2015. Collection method: clinical testing. Allele origin: germline.

Labcorp Genetics (formerly Invitae), Labcorp
Classification: Uncertain significance for Familial Mediterranean fever. Last evaluated: 2022-06-27. Review status: criteria provided, single submitter. Criteria: Invitae Variant Classification Sherloc (09022015). Collection method: clinical testing. Allele origin: germline.
Comment: This sequence change creates a premature translational stop signal (p.Gly137Alafs*22) in the MEFV gene. It is expected to result in an absent or disrupted protein product. However, the current clinical and genetic evidence is not sufficient to establish whether loss-of-function variants in MEFV cause disease. This variant is present in population databases (rs767006697, gnomAD 0.01%). This variant has not been reported in the literature in individuals affected with MEFV-related conditions. Experimental studies and prediction algorithms are not available or were not evaluated, and the functional significance of this variant is currently unknown. In summary, the available evidence is currently insufficient to determine the role of this variant in disease. Therefore, it has been classified as a Variant of Uncertain Significance.

NM_000243.3(MEFV):c.410del (p.Gly137fs)

Gene: MEFV (MEFV innate immunity regulator, pyrin; minus strand). Cytogenetic location: 16p13.3.
Variant type: Deletion.
Coding change: c.410del on transcript NM_000243.3 (MANE Select); coding-DNA position 410, one base deleted (G; older notation c.410delG).
Protein change: p.Gly137fs; shifts the reading frame from glycine 137.
Molecular consequence: frameshift variant. On other transcripts: intron variant (1).
Genome position (GRCh38, 1-based): chr16:3,254,658, C deleted on the plus strand (G on the coding strand, the reverse complement: MEFV is on the minus strand); the first of 5 consecutive C bases (chr16:3,254,658-3,254,662); deleting any one gives the same sequence. VCF-style (leftmost placement, unchanged base first): chr16-3254657-GC-G. GRCh37 (hg19) VCF-style: chr16-3304657-GC-G.
Other names: c.277+1653del (NM_001198536.2); short protein forms G137fs.
Identifiers: ClinVar variation 1420553 (VCV001420553.8), dbSNP rs767006697, ClinGen allele CA7860436.
Genomic context (GRCh38, chr16:3,254,657, plus strand): 5'-GGGCTTCCTCGACAGCCCCCTCCCGGCCTCGGGCTGGCTGCACCGCAGGCTGGCAGCTCC[GC>G]CCCCGTACGGCCGAGGGCCGTTCCCCTCGTTCCCCTCGGGGTGGTCTGGAGTCTTCAGGC-3'